The following is an entry in ClinVar:

NM_001142800.2(EYS):c.6929T>G (p.Leu2310Arg)

Gene: EYS (EGF-like photoreceptor maintenance factor; minus strand). Cytogenetic location: 6q12.
Variant type: single nucleotide variant.
Coding change: c.6929T>G on transcript NM_001142800.2 (MANE Select); coding-DNA position 6929, T replaced by G.
Protein change: p.Leu2310Arg; replaces leucine 2310 with arginine.
Molecular consequence: missense variant.
Genome position (GRCh38, 1-based): chr6:63,984,509, A>C on the plus strand (T>G on the coding strand, the complement: EYS is on the minus strand). VCF-style: chr6-63984509-A-C. GRCh37 (hg19) VCF-style: chr6-64694402-A-C.
Other names: c.6929T>G (NM_001142800.1); c.6929T>G, p.Leu2310Arg (NM_001292009.2); short protein forms L2310R.
Identifiers: ClinVar variation 3705927 (VCV003705927.3).

ClinVar aggregate classification (germline): Conflicting classifications of pathogenicity. Review status: criteria provided, conflicting classifications (1 of 4 stars). 2 submissions from 2 submitters: Uncertain significance (1); Likely benign (1). Last evaluated 2026-01-21.

Conditions:
Inborn genetic diseases. Identifiers: MedGen C0950123, MeSH D030342.

gnomAD v4.1: 1 of 1,549,682 alleles (0.000065%); no homozygotes.

Submissions (2):

Ambry Genetics
Classification: Likely benign for Inborn genetic diseases. Last evaluated: 2026-01-21. Review status: criteria provided, single submitter. Criteria: Ambry Variant Classification Scheme 2023. Collection method: clinical testing. Allele origin: germline.

Labcorp Genetics (formerly Invitae), Labcorp
Classification: Uncertain significance. Last evaluated: 2025-01-06. Review status: criteria provided, single submitter. Criteria: Invitae Variant Classification Sherloc (09022015). Collection method: clinical testing. Allele origin: germline.
Comment: This sequence change replaces leucine, which is neutral and non-polar, with arginine, which is basic and polar, at codon 2310 of the EYS protein (p.Leu2310Arg). This variant is not present in population databases (gnomAD no frequency). This variant has not been reported in the literature in individuals affected with EYS-related conditions. Invitae Evidence Modeling of protein sequence and biophysical properties (such as structural, functional, and spatial information, amino acid conservation, physicochemical variation, residue mobility, and thermodynamic stability) indicates that this missense variant is not expected to disrupt EYS protein function with a negative predictive value of 80%. In summary, the available evidence is currently insufficient to determine the role of this variant in disease. Therefore, it has been classified as a Variant of Uncertain Significance.